The following is an entry in ClinVar:

Conditions:
Long QT syndrome 5 (LQT5). Identifiers: Orphanet 101016, Orphanet 768, MedGen C1867904, MONDO:0013372, OMIM 613695.

Submission:

Roden Lab, Vanderbilt University Medical Center
No classification provided (evidence only). Condition: Long QT syndrome 5. Review status: no classification provided. Collection method: in vitro. Allele origin: not applicable. Functional consequence: Effect on ion channel function.
ClinVar note: "not provided" was previously submitted as the classification for the variant. However, the classification appeared to be based only on an observation of functional data so it was converted to no classification on 2025-07-30.

NM_000219.6(KCNE1):c.69G>T (p.Gln23His)

Gene: KCNE1 (potassium voltage-gated channel subfamily E regulatory subunit 1; minus strand). Cytogenetic location: 21q22.12.
Variant type: single nucleotide variant.
Coding change: c.69G>T on transcript NM_000219.6 (MANE Select); coding-DNA position 69, G replaced by T.
Protein change: p.Gln23His; replaces glutamine 23 with histidine.
Molecular consequence: missense variant.
Genome position (GRCh38, 1-based): chr21:34,449,566, C>A on the plus strand (G>T on the coding strand, the complement: KCNE1 is on the minus strand). VCF-style: chr21-34449566-C-A. GRCh37 (hg19) VCF-style: chr21-35821864-C-A.
Other names: c.69G>T, p.Gln23His (NM_001127668.4, NM_001127669.4, NM_001127670.4 and 4 more transcripts); short protein forms Q23H.
Identifiers: ClinVar variation 3373964 (VCV003373964.2).
Genomic context (GRCh38, chr21:34,449,566, plus strand): 5'-CTCCAGCTTGCCGTCACTGCTGCGGGGGGACCTGCGGGCCAGGCCCGACATGTTGCCACC[C>A]TGCTGAACTGTCTCCTGCCACAGCTTGGTCAGAAAGGGCGTCACCGCTGTGGTGTTAGAC-3'
Protein context (NP_000210.2, residues 13-33): LTKLWQETVQ[Gln23His]GGNMSGLARR